The following is an entry in ClinVar:

NM_000215.4(JAK3):c.*138G>C

Gene: JAK3 (Janus kinase 3; minus strand). Cytogenetic location: 19p13.11.
Variant type: single nucleotide variant.
Coding change: c.*138G>C on transcript NM_000215.4 (MANE Select); 138 bases downstream of the stop codon, G replaced by C.
Molecular consequence: 3 prime UTR variant.
Genome position (GRCh38, 1-based): chr19:17,826,605, C>G on the plus strand (G>C on the coding strand, the complement: JAK3 is on the minus strand). VCF-style: chr19-17826605-C-G. GRCh37 (hg19) VCF-style: chr19-17937414-C-G.
Identifiers: ClinVar variation 328494 (VCV000328494.6), dbSNP rs3212800, ClinGen allele CA10652319.

ClinVar aggregate classification (germline): Benign. Review status: criteria provided, multiple submitters, no conflicts (2 of 4 stars). 2 submissions from 2 submitters: Benign (2). Last evaluated 2018-01-13.

Conditions:
T-B+ severe combined immunodeficiency due to JAK3 deficiency. Also called: SCID, autosomal recessive, T-negative/B-positive type; SCID, T CELL-NEGATIVE, B CELL-POSITIVE, NK CELL-NEGATIVE. Identifiers: Orphanet 35078, MedGen C1833275, MONDO:0010938, OMIM 600802.

Allele frequency attached by ClinVar (database versions not stated): 1000 Genomes Project 30x 0.01312; 1000 Genomes Project 0.01238; TOPMed 0.01213.
gnomAD v4.1: 2,938 of 960,158 alleles (0.31%); highest among the groups gnomAD compares: African/African-American, 3.8%; 60 homozygotes.

Submissions (2):

Illumina Laboratory Services, Illumina
Classification: Benign for T-B+ severe combined immunodeficiency due to JAK3 deficiency. Last evaluated: 2018-01-13. Review status: criteria provided, single submitter. Criteria: ICSL Variant Classification Criteria 13 December 2019. Collection method: clinical testing. Allele origin: germline.
Comment: This variant was observed in the ICSL laboratory as part of a predisposition screen in an ostensibly healthy population. It had not been previously curated by ICSL or reported in the Human Gene Mutation Database (HGMD: prior to June 1st, 2018), and was therefore a candidate for classification through an automated scoring system. Utilizing variant allele frequency, disease prevalence and penetrance estimates, and inheritance mode, an automated score was calculated to assess if this variant is too frequent to cause the disease. Based on the score and internal cut-off values, a variant classified as benign is not then subjected to further curation. The score for this variant resulted in a classification of benign for this disease.

Breakthrough Genomics
Classification: Benign. Review status: criteria provided, single submitter. Criteria: ACMG Guidelines, 2015. Collection method: not provided. Allele origin: germline. Inheritance: Autosomal recessive inheritance. Affected: yes.